The following is an entry in ClinVar:

NM_145045.5(ODAD3):c.794T>C (p.Leu265Pro)

Gene: ODAD3 (outer dynein arm docking complex subunit 3; minus strand). Cytogenetic location: 19p13.2.
Variant type: single nucleotide variant.
Coding change: c.794T>C on transcript NM_145045.5 (MANE Select); coding-DNA position 794, T replaced by C.
Protein change: p.Leu265Pro; replaces leucine 265 with proline.
Molecular consequence: missense variant.
Genome position (GRCh38, 1-based): chr19:11,426,492, A>G on the plus strand (T>C on the coding strand, the complement: ODAD3 is on the minus strand). VCF-style: chr19-11426492-A-G. GRCh37 (hg19) VCF-style: chr19-11537312-A-G.
Other names: c.632T>C, p.Leu211Pro (NM_001302453.1); c.614T>C, p.Leu205Pro (NM_001302454.2); short protein forms L205P, L211P, L265P.
Identifiers: ClinVar variation 2631783 (VCV002631783.3), dbSNP rs2512481922, ClinGen allele CA404123536.

ClinVar aggregate classification (germline): Uncertain significance (0 of 4 stars; one submission).

Conditions:
ODAD3-related disorder. Also called: ODAD3-related condition.

Submission:

PreventionGenetics, part of Exact Sciences
Classification: Uncertain significance for ODAD3-related condition. Last evaluated: 2023-11-27. Review status: no assertion criteria provided. Collection method: clinical testing. Allele origin: germline.
Comment: The ODAD3 c.794T>C variant is predicted to result in the amino acid substitution p.Leu265Pro. To our knowledge, this variant has not been reported in the literature or in a large population database, indicating this variant is rare. Although we suspect that this variant may be pathogenic, at this time, the clinical significance of this variant is uncertain due to the absence of conclusive functional and genetic evidence.